The following is an entry in ClinVar:

ClinVar aggregate classification (germline): Conflicting classifications of pathogenicity. Review status: criteria provided, conflicting classifications (1 of 4 stars). 2 submissions from 2 submitters: Uncertain significance (1); Benign (1). Last evaluated 2024-03-06.

Conditions:
Hereditary cancer-predisposing syndrome. Also called: Tumor predisposition; Hereditary neoplastic syndrome; Neoplastic Syndromes, Hereditary; Hereditary Cancer Syndrome. Identifiers: Orphanet 140162, MedGen C0027672, MeSH D009386, MONDO:0015356.
Tuberous sclerosis 1 (TSC1). Identifiers: Orphanet 805, MedGen C1854465, MONDO:0008612, OMIM 191100.

Allele frequency attached by ClinVar (database versions not stated): gnomAD exomes below 0.00001.
gnomAD v4.1: 1 of 1,614,170 alleles (0.000062%); highest among the groups gnomAD compares: African/African-American, 0.0013%; no homozygotes.

Submissions (2):

Labcorp Genetics (formerly Invitae), Labcorp
Classification: Benign for Tuberous sclerosis 1. Last evaluated: 2024-03-06. Review status: criteria provided, single submitter. Criteria: Invitae Variant Classification Sherloc (09022015). Collection method: clinical testing. Allele origin: germline.

Ambry Genetics
Classification: Uncertain significance for Hereditary cancer-predisposing syndrome. Last evaluated: 2021-01-13. Review status: criteria provided, single submitter. Criteria: Ambry Variant Classification Scheme 2023. Collection method: clinical testing. Allele origin: germline.
Comment: The p.Q145H variant (also known as c.435G>T), located in coding exon 4 of the TSC1 gene, results from a G to T substitution at nucleotide position 435. The glutamine at codon 145 is replaced by histidine, an amino acid with highly similar properties. This amino acid position is highly conserved in available vertebrate species. In addition, this alteration is predicted to be deleterious by in silico analysis. Since supporting evidence is limited at this time, the clinical significance of this alteration remains unclear.

NM_000368.5(TSC1):c.435G>T (p.Gln145His)

Gene: TSC1 (TSC complex subunit 1; minus strand). Cytogenetic location: 9q34.13.
Variant type: single nucleotide variant.
Coding change: c.435G>T on transcript NM_000368.5 (MANE Select); coding-DNA position 435, G replaced by T.
Protein change: p.Gln145His; replaces glutamine 145 with histidine.
Molecular consequence: missense variant.
Genome position (GRCh38, 1-based): chr9:132,923,421, C>A on the plus strand (G>T on the coding strand, the complement: TSC1 is on the minus strand). VCF-style: chr9-132923421-C-A. GRCh37 (hg19) VCF-style: chr9-135798808-C-A.
Other names: c.435G>T, p.Gln145His (NM_001162426.2); c.282G>T, p.Gln94His (NM_001162427.2); c.72G>T, p.Gln24His (NM_001362177.2); short protein forms Q94H, Q145H, Q24H.
Identifiers: ClinVar variation 1504426 (VCV001504426.10), dbSNP rs1195580419, ClinGen allele CA375373442.